The following is an entry in ClinVar:

ClinVar aggregate classification (germline): Uncertain significance (1 of 4 stars; one submission).

Conditions:
Severe early-onset pulmonary alveolar proteinosis due to MARS deficiency. Also called: PULMONARY ALVEOLAR PROTEINOSIS, REUNION ISLAND; Interstitial lung and liver disease. Identifiers: Orphanet 440427, MedGen C4225400, MONDO:0014206, OMIM 615486.
Charcot-Marie-Tooth disease axonal type 2U. Also called: CHARCOT-MARIE-TOOTH NEUROPATHY, TYPE 2U; CHARCOT-MARIE-TOOTH DISEASE, AXONAL, AUTOSOMAL DOMINANT, TYPE 2U. Identifiers: Orphanet 397735, MedGen C4084821, MONDO:0014566, OMIM 616280.

Allele frequency attached by ClinVar (database versions not stated): ExAC 0.00002; ESP Exome Variant Server 0.00008.

Submission:

Labcorp Genetics (formerly Invitae), Labcorp
Classification: Uncertain significance for Charcot-Marie-Tooth disease axonal type 2U; Severe early-onset pulmonary alveolar proteinosis due to MARS deficiency. Last evaluated: 2023-12-19. Review status: criteria provided, single submitter. Criteria: Invitae Variant Classification Sherloc (09022015). Collection method: clinical testing. Allele origin: germline.
Comment: This sequence change replaces arginine, which is basic and polar, with glutamine, which is neutral and polar, at codon 199 of the MARS protein (p.Arg199Gln). This variant is present in population databases (rs150202199, gnomAD 0.02%). This missense change has been observed in individual(s) with autosomal dominant Charcot-Marie-Tooth disease (PMID: 35723632). ClinVar contains an entry for this variant (Variation ID: 2055856). An algorithm developed to predict the effect of missense changes on protein structure and function (PolyPhen-2) suggests that this variant is likely to be tolerated. In summary, the available evidence is currently insufficient to determine the role of this variant in disease. Therefore, it has been classified as a Variant of Uncertain Significance.

Literature cited by the submitters: PubMed 35723632.

NM_004990.4(MARS1):c.596G>A (p.Arg199Gln)

Gene: MARS1 (methionyl-tRNA synthetase 1; plus strand). Cytogenetic location: 12q13.3.
Variant type: single nucleotide variant.
Coding change: c.596G>A on transcript NM_004990.4 (MANE Select); coding-DNA position 596, G replaced by A.
Protein change: p.Arg199Gln; replaces arginine 199 with glutamine.
Molecular consequence: missense variant.
Genome position (GRCh38, 1-based): chr12:57,490,312, G>A. VCF-style: chr12-57490312-G-A. GRCh37 (hg19) VCF-style: chr12-57884095-G-A.
Other names: short protein forms R199Q.
Identifiers: ClinVar variation 2055856 (VCV002055856.4), dbSNP rs150202199, ClinGen allele CA6650221.